The following is an entry in ClinVar:

ClinVar aggregate classification (germline): Uncertain significance (1 of 4 stars; one submission).

Conditions:
RAI1-related disorder. Also called: RAI1-related condition.

Submission:

PreventionGenetics, part of Exact Sciences
Classification: Uncertain significance for RAI1-related condition. Last evaluated: 2025-12-15. Review status: criteria provided, single submitter. Criteria: ACMG Guidelines, 2015. Collection method: clinical testing. Allele origin: germline.
Comment: The RAI1 c.4954C>G variant is predicted to result in the amino acid substitution p.Leu1652Val. To our knowledge, this variant has not been reported in the literature or in a large population database (gnomAD), indicating this variant is rare. At this time, the clinical significance of this variant is uncertain due to the absence of conclusive functional and genetic evidence.

NM_030665.4(RAI1):c.4954C>G (p.Leu1652Val)

Gene: RAI1 (retinoic acid induced 1; plus strand). Cytogenetic location: 17p11.2.
Variant type: single nucleotide variant.
Coding change: c.4954C>G on transcript NM_030665.4 (MANE Select); coding-DNA position 4954, C replaced by G.
Protein change: p.Leu1652Val; replaces leucine 1652 with valine.
Molecular consequence: missense variant.
Genome position (GRCh38, 1-based): chr17:17,797,902, C>G. VCF-style: chr17-17797902-C-G. GRCh37 (hg19) VCF-style: chr17-17701216-C-G.
Other names: short protein forms L1652V.
Identifiers: ClinVar variation 4995981 (VCV004995981.1).